The following is an entry in ClinVar:

ClinVar aggregate classification (germline): Uncertain significance (1 of 4 stars; one submission).

Conditions:
Alstrom syndrome (ALMS). Identifiers: Orphanet 64, MedGen C0268425, MONDO:0008763, OMIM 203800.

Allele frequency attached by ClinVar (database versions not stated): ExAC 0.00001.
gnomAD v4.1: 3 of 1,608,438 alleles (0.00019%); highest among the groups gnomAD compares: South Asian, 0.0022%; no homozygotes.

Submission:

Labcorp Genetics (formerly Invitae), Labcorp
Classification: Uncertain significance for Alstrom syndrome. Last evaluated: 2023-06-20. Review status: criteria provided, single submitter. Criteria: Invitae Variant Classification Sherloc (09022015). Collection method: clinical testing. Allele origin: germline.
Comment: This sequence change replaces serine, which is neutral and polar, with glycine, which is neutral and non-polar, at codon 3493 of the ALMS1 protein (p.Ser3493Gly). In summary, the available evidence is currently insufficient to determine the role of this variant in disease. Therefore, it has been classified as a Variant of Uncertain Significance. Experimental studies and prediction algorithms are not available or were not evaluated, and the functional significance of this variant is currently unknown. ClinVar contains an entry for this variant (Variation ID: 2420472). This variant has not been reported in the literature in individuals affected with ALMS1-related conditions. This variant is present in population databases (rs748662184, gnomAD 0.003%).

NM_001378454.1(ALMS1):c.10474A>G (p.Ser3492Gly)

Gene: ALMS1 (ALMS1 centrosome and basal body associated protein; plus strand). Cytogenetic location: 2p13.1.
Variant type: single nucleotide variant.
Coding change: c.10474A>G on transcript NM_001378454.1 (MANE Select); coding-DNA position 10474, A replaced by G.
Protein change: p.Ser3492Gly; replaces serine 3492 with glycine.
Molecular consequence: missense variant.
Genome position (GRCh38, 1-based): chr2:73,572,351, A>G. VCF-style: chr2-73572351-A-G. GRCh37 (hg19) VCF-style: chr2-73799478-A-G.
Other names: c.10477A>G, p.Ser3493Gly (NM_015120.4); short protein forms S3492G, S3493G.
Identifiers: ClinVar variation 2420472 (VCV002420472.5), dbSNP rs748662184, ClinGen allele CA1715009.
Genomic context (GRCh38, chr2:73,572,351, plus strand): 5'-ACTACCCGTTCTGTCTTCAGGTCAGCAAAGTTTTACATTCATCATCCCGTACACCTACCA[A>G]GTGATCAAGATATTTGCCATGAATCTTTGGGAAAGAGTGTTTTCATGAGACATTCTTGGA-3'
Protein context (NP_001365383.1, residues 3482-3502): FYIHHPVHLP[Ser3492Gly]DQDICHESLG